The following is an entry in ClinVar:

ClinVar aggregate classification (germline): Likely benign. Review status: criteria provided, multiple submitters, no conflicts (2 of 4 stars). 4 submissions from 4 submitters: Likely benign (4). Last evaluated 2026-01-05.

Allele frequency attached by ClinVar (database versions not stated): gnomAD exomes 0.00022 and 0.00028; ESP Exome Variant Server 0.00023; ExAC 0.00024; gnomAD 0.00024 and 0.00026; TOPMed 0.00027.

Submissions (4):

Labcorp Genetics (formerly Invitae), Labcorp
Classification: Likely benign. Last evaluated: 2026-01-05. Review status: criteria provided, single submitter. Criteria: Invitae Variant Classification Sherloc (09022015). Collection method: clinical testing. Allele origin: germline.

CeGaT Center for Human Genetics Tuebingen
Classification: Likely benign. Last evaluated: 2025-01-01. Review status: criteria provided, single submitter. Criteria: CeGaT Center For Human Genetics Tuebingen Variant Classification Criteria Version 2. Collection method: clinical testing. Allele origin: germline. Affected: yes. Observed: 1 variant allele.
Comment: VARS2: BP4, BP7

Blueprint Genetics
Classification: Likely benign. Last evaluated: 2024-10-18. Review status: criteria provided, single submitter. Criteria: ACMG Guidelines, 2015. Collection method: clinical testing. Allele origin: germline.

GeneDx
Classification: Likely benign. Last evaluated: 2019-12-06. Review status: criteria provided, single submitter. Criteria: GeneDx Variant Classification Process June 2021. Collection method: clinical testing. Allele origin: germline. Affected: yes.

NM_020442.6(VARS2):c.1338G>A (p.Leu446=)

Gene: VARS2 (valyl-tRNA synthetase 2, mitochondrial; plus strand). Cytogenetic location: 6p21.33.
Variant type: single nucleotide variant.
Coding change: c.1338G>A on transcript NM_020442.6 (MANE Select); coding-DNA position 1338, G replaced by A.
Protein change: p.Leu446=; no amino-acid change (leucine 446 retained).
Molecular consequence: synonymous variant.
Genome position (GRCh38, 1-based): chr6:30,920,377, G>A. VCF-style: chr6-30920377-G-A. GRCh37 (hg19) VCF-style: chr6-30888154-G-A.
Other names: c.918G>A, p.Leu306= (NM_001167733.3); c.1428G>A, p.Leu476= (NM_001167734.2).
Identifiers: ClinVar variation 507692 (VCV000507692.26), dbSNP rs17189628, ClinGen allele CA3705877.
Genomic context (GRCh38, chr6:30,920,377, plus strand): 5'-GCCGCTTTTTCTCCAGGGTCTTCACCGGTTTGTGGCCCGGGAAAAGATAATGTCTGTGCT[G>A]AGTGAATGGGGCCTGTTCCGGGGCCTCCAGAACCACCCCATGGTACTGCCCATCTGCAGG-3'
Protein context (NP_065175.4, residues 436-456): FVAREKIMSV[Leu446=]SEWGLFRGLQ